The following is an entry in ClinVar:

ClinVar aggregate classification (germline): Uncertain significance. Review status: criteria provided, multiple submitters, no conflicts (2 of 4 stars). 4 submissions from 4 submitters: Uncertain significance (4). Last evaluated 2025-11-17.

Conditions:
Emery-Dreifuss muscular dystrophy 4, autosomal dominant (EDMD4). Also called: EMERY-DREIFUSS MUSCULAR DYSTROPHY 4 WITH VARIABLE FEATURES. Identifiers: Orphanet 261, MedGen C2751807, MONDO:0013071, OMIM 612998.
Autosomal recessive ataxia, Beauce type. Also called: SYNE1 Deficiency; Spinocerebellar ataxia, autosomal recessive 8; ATAXIA, RECESSIVE, OF BEAUCE; SYNE1-Related Autosomal Recessive Cerebellar Ataxia. Identifiers: Orphanet 88644, MedGen C1853116, MONDO:0012549, OMIM 610743.

Allele frequency attached by ClinVar (database versions not stated): ExAC 0.00001; gnomAD 0.00001; gnomAD exomes 0.00002; TOPMed 0.00002.
gnomAD v4.1: 32 of 1,613,928 alleles (0.002%); highest among the groups gnomAD compares: Middle Eastern, 0.05%; no homozygotes.

Submissions (4):

Labcorp Genetics (formerly Invitae), Labcorp
Classification: Uncertain significance for Emery-Dreifuss muscular dystrophy 4, autosomal dominant; Autosomal recessive ataxia, Beauce type. Last evaluated: 2025-11-17. Review status: criteria provided, single submitter. Criteria: Invitae Variant Classification Sherloc (09022015). Collection method: clinical testing. Allele origin: germline.
Comment: This sequence change replaces arginine, which is basic and polar, with lysine, which is basic and polar, at codon 7919 of the SYNE1 protein (p.Arg7919Lys). This variant is present in population databases (rs777371816, gnomAD 0.004%). This variant has not been reported in the literature in individuals affected with SYNE1-related conditions. ClinVar contains an entry for this variant (Variation ID: 448587). An algorithm developed to predict the effect of missense changes on protein structure and function (PolyPhen-2) suggests that this variant is likely to be disruptive. In summary, the available evidence is currently insufficient to determine the role of this variant in disease. Therefore, it has been classified as a Variant of Uncertain Significance.

Revvity Omics, Revvity
Classification: Uncertain significance. Last evaluated: 2021-03-18. Review status: criteria provided, single submitter. Criteria: ACMG Guidelines, 2015. Collection method: clinical testing. Allele origin: germline.

Athena Diagnostics
Classification: Uncertain significance. Last evaluated: 2017-06-16. Review status: criteria provided, single submitter. Criteria: Athena Diagnostics Criteria. Collection method: clinical testing. Allele origin: germline.

CeGaT Center for Human Genetics Tuebingen
Classification: Uncertain significance. Last evaluated: 2016-07-01. Review status: criteria provided, single submitter. Criteria: CeGaT Center For Human Genetics Tuebingen Variant Classification Criteria Version 2. Collection method: clinical testing. Allele origin: germline. Affected: yes. Observed: 1 variant allele.

NM_182961.4(SYNE1):c.23969G>A (p.Arg7990Lys)

Gene: SYNE1 (spectrin repeat containing nuclear envelope protein 1; minus strand). Cytogenetic location: 6q25.2.
Variant type: single nucleotide variant.
Coding change: c.23969G>A on transcript NM_182961.4 (MANE Select); coding-DNA position 23969, G replaced by A.
Protein change: p.Arg7990Lys; replaces arginine 7990 with lysine.
Molecular consequence: missense variant.
Genome position (GRCh38, 1-based): chr6:152,155,919, C>T on the plus strand (G>A on the coding strand, the complement: SYNE1 is on the minus strand). VCF-style: chr6-152155919-C-T. GRCh37 (hg19) VCF-style: chr6-152477054-C-T.
Other names: c.575G>A, p.Arg192Lys (NM_001347701.2); c.434G>A, p.Arg145Lys (NM_001347702.2); c.23756G>A, p.Arg7919Lys (NM_033071.5); short protein forms R7919K, R7990K, R192K, R145K.
Identifiers: ClinVar variation 448587 (VCV000448587.51), dbSNP rs777371816, ClinGen allele CA4053308.